The following is an entry in ClinVar:

ClinVar aggregate classification (germline): Uncertain significance (1 of 4 stars; one submission).

Conditions:
Neurofibromatosis, type 1 (NF1). Also called: NEUROFIBROMATOSIS, TYPE I, SOMATIC; Neurofibromatosis, type I; Peripheral type neurofibromatosis; VON RECKLINGHAUSEN DISEASE. Identifiers: Orphanet 636, MedGen C0027831, MONDO:0018975, OMIM 162200. Disease mechanism: loss of function.

Submission:

Labcorp Genetics (formerly Invitae), Labcorp
Classification: Uncertain significance for Neurofibromatosis, type 1. Last evaluated: 2022-03-31. Review status: criteria provided, single submitter. Criteria: Invitae Variant Classification Sherloc (09022015). Collection method: clinical testing. Allele origin: germline.
Comment: This sequence change replaces leucine, which is neutral and non-polar, with glutamine, which is neutral and polar, at codon 2112 of the NF1 protein (p.Leu2112Gln). This variant is not present in population databases (gnomAD no frequency). This variant has not been reported in the literature in individuals affected with NF1-related conditions. Advanced modeling of protein sequence and biophysical properties (such as structural, functional, and spatial information, amino acid conservation, physicochemical variation, residue mobility, and thermodynamic stability) performed at Invitae indicates that this missense variant is expected to disrupt NF1 protein function. In summary, the available evidence is currently insufficient to determine the role of this variant in disease. Therefore, it has been classified as a Variant of Uncertain Significance.

NM_001042492.3(NF1):c.6398T>A (p.Leu2133Gln)

Gene: NF1 (neurofibromin 1; plus strand). Cytogenetic location: 17q11.2.
Variant type: single nucleotide variant.
Coding change: c.6398T>A on transcript NM_001042492.3 (MANE Select); coding-DNA position 6398, T replaced by A.
Protein change: p.Leu2133Gln; replaces leucine 2133 with glutamine.
Molecular consequence: missense variant.
Genome position (GRCh38, 1-based): chr17:31,336,885, T>A. VCF-style: chr17-31336885-T-A. GRCh37 (hg19) VCF-style: chr17-29663903-T-A.
Other names: c.6335T>A, p.Leu2112Gln (NM_000267.4); short protein forms L2133Q, L2112Q.
Identifiers: ClinVar variation 2118380 (VCV002118380.4), dbSNP rs2069690617, ClinGen allele CA399012903.